The following is an entry in ClinVar:

NM_005515.4(MNX1):c.988G>A (p.Ala330Thr)

Gene: MNX1 (motor neuron and pancreas homeobox 1; minus strand). Cytogenetic location: 7q36.3.
Variant type: single nucleotide variant.
Coding change: c.988G>A on transcript NM_005515.4 (MANE Select); coding-DNA position 988, G replaced by A.
Protein change: p.Ala330Thr; replaces alanine 330 with threonine.
Molecular consequence: missense variant.
Genome position (GRCh38, 1-based): chr7:157,005,738, C>T on the plus strand (G>A on the coding strand, the complement: MNX1 is on the minus strand). VCF-style: chr7-157005738-C-T. GRCh37 (hg19) VCF-style: chr7-156798432-C-T.
Other names: c.352G>A, p.Ala118Thr (NM_001165255.2); short protein forms A118T, A330T.
Identifiers: ClinVar variation 3008914 (VCV003008914.3), dbSNP rs775316906, ClinGen allele CA4589140.

ClinVar aggregate classification (germline): Uncertain significance (1 of 4 stars; one submission).

Allele frequency attached by ClinVar (database versions not stated): gnomAD 0.00002; TOPMed 0.00002; ExAC 0.00003.
gnomAD v4.1: 15 of 1,608,918 alleles (0.00093%); highest among the groups gnomAD compares: South Asian, 0.0044%; no homozygotes.

Submission:

Labcorp Genetics (formerly Invitae), Labcorp
Classification: Uncertain significance. Last evaluated: 2024-01-16. Review status: criteria provided, single submitter. Criteria: Invitae Variant Classification Sherloc (09022015). Collection method: clinical testing. Allele origin: germline.
Comment: This sequence change replaces alanine, which is neutral and non-polar, with threonine, which is neutral and polar, at codon 330 of the MNX1 protein (p.Ala330Thr). This variant is present in population databases (rs775316906, gnomAD 0.007%). This variant has not been reported in the literature in individuals affected with MNX1-related conditions. Advanced modeling of protein sequence and biophysical properties (such as structural, functional, and spatial information, amino acid conservation, physicochemical variation, residue mobility, and thermodynamic stability) performed at Invitae indicates that this missense variant is not expected to disrupt MNX1 protein function with a negative predictive value of 80%. In summary, the available evidence is currently insufficient to determine the role of this variant in disease. Therefore, it has been classified as a Variant of Uncertain Significance.